The following is an entry in ClinVar:

NM_020361.5(CPA6):c.791G>A (p.Arg264His)

Genes: ARFGEF1-DT (ARFGEF1 divergent transcript; plus strand), CPA6 (carboxypeptidase A6; minus strand). Cytogenetic location: 8q13.2.
Variant type: single nucleotide variant.
Coding change: c.791G>A on transcript NM_020361.5 (MANE Select); coding-DNA position 791, G replaced by A.
Protein change: p.Arg264His; replaces arginine 264 with histidine.
Molecular consequence: missense variant.
Genome position (GRCh38, 1-based): chr8:67,483,815, C>T on the plus strand (G>A on the coding strand, the complement: CPA6 is on the minus strand). VCF-style: chr8-67483815-C-T. GRCh37 (hg19) VCF-style: chr8-68396050-C-T.
Other names: short protein forms R264H.
Identifiers: ClinVar variation 363607 (VCV000363607.12), dbSNP rs752555064, ClinGen allele CA4772845.
Genomic context (GRCh38, chr8:67,483,815, plus strand): 5'-GTCCCAAACTTACCACACCACTTCACTTTCCAGTTTCTATTGGCATCCACTCCACGGCAG[C>T]GAAACCTTGAGTTCCTTGACCTTGTTTTTCTCCAAAATCGATCCTAGACATAATTAAGAA-3'
Protein context (NP_065094.3, residues 254-274): RKTRSRNSRF[Arg264His]CRGVDANRNW

ClinVar aggregate classification (germline): Uncertain significance. Review status: criteria provided, multiple submitters, no conflicts (2 of 4 stars). 2 submissions from 2 submitters: Uncertain significance (2). Last evaluated 2020-07-30.

Conditions:
Febrile seizures, familial, 11 (FEB11). Also called: CONVULSIONS, FAMILIAL FEBRILE, 11. Identifiers: MedGen C3280734, MONDO:0024566, OMIM 614418.
Familial temporal lobe epilepsy 5. Identifiers: MedGen C3280730, MONDO:0013741, OMIM 614417.

Allele frequency attached by ClinVar (database versions not stated): ExAC 0.00004; gnomAD 0.00004; TOPMed 0.00005.
gnomAD v4.1: 119 of 1,614,052 alleles (0.0074%); highest among the groups gnomAD compares: Middle Eastern, 0.016%; 1 homozygote.

Submissions (2):

Labcorp Genetics (formerly Invitae), Labcorp
Classification: Uncertain significance for Febrile seizures, familial, 11. Last evaluated: 2020-07-30. Review status: criteria provided, single submitter. Criteria: Invitae Variant Classification Sherloc (09022015). Collection method: clinical testing. Allele origin: germline.
Comment: This variant is present in population databases (rs752555064, ExAC 0.007%). This sequence change replaces arginine with histidine at codon 264 of the CPA6 protein (p.Arg264His). The arginine residue is moderately conserved and there is a small physicochemical difference between arginine and histidine. This variant has not been reported in the literature in individuals with CPA6-related disease. ClinVar contains an entry for this variant (Variation ID: 363607). Algorithms developed to predict the effect of missense changes on protein structure and function output the following: SIFT: "Tolerated"; PolyPhen-2: "Benign"; Align-GVGD: "Class C0". The histidine amino acid residue is found in multiple mammalian species, suggesting that this missense change does not adversely affect protein function. These predictions have not been confirmed by published functional studies and their clinical significance is uncertain. In summary, the available evidence is currently insufficient to determine the role of this variant in disease. Therefore, it has been classified as a Variant of Uncertain Significance.

Illumina Laboratory Services, Illumina
Classification: Uncertain significance for Familial temporal lobe epilepsy 5. Last evaluated: 2018-01-12. Review status: criteria provided, single submitter. Criteria: ICSL Variant Classification Criteria 13 December 2019. Collection method: clinical testing. Allele origin: germline.